The following is an entry in ClinVar:

ClinVar aggregate classification (germline): Uncertain significance (1 of 4 stars; one submission).

Conditions:
Long QT syndrome (LQTS). Identifiers: MedGen C0023976, MeSH D008133, MONDO:0002442. Disease mechanism: loss of function. Inheritance: Various modes of inheritance.

gnomAD v4.1: 1 of 1,613,036 alleles (0.000062%); highest among the groups gnomAD compares: Admixed American, 0.0017%; no homozygotes.

Submission:

Labcorp Genetics (formerly Invitae), Labcorp
Classification: Uncertain significance for Long QT syndrome. Last evaluated: 2023-10-28. Review status: criteria provided, single submitter. Criteria: Invitae Variant Classification Sherloc (09022015). Collection method: clinical testing. Allele origin: germline.
Comment: This sequence change replaces alanine, which is neutral and non-polar, with glycine, which is neutral and non-polar, at codon 1194 of the AKAP9 protein (p.Ala1194Gly). This variant is present in population databases (no rsID available, gnomAD 0.003%). This variant has not been reported in the literature in individuals affected with AKAP9-related conditions. An algorithm developed to predict the effect of missense changes on protein structure and function (PolyPhen-2) suggests that this variant is likely to be disruptive. In summary, the available evidence is currently insufficient to determine the role of this variant in disease. Therefore, it has been classified as a Variant of Uncertain Significance.

NM_005751.5(AKAP9):c.3581C>G (p.Ala1194Gly)

Gene: AKAP9 (A-kinase anchoring protein 9; plus strand). Cytogenetic location: 7q21.2.
Variant type: single nucleotide variant.
Coding change: c.3581C>G on transcript NM_005751.5 (MANE Select); coding-DNA position 3581, C replaced by G.
Protein change: p.Ala1194Gly; replaces alanine 1194 with glycine.
Molecular consequence: missense variant.
Genome position (GRCh38, 1-based): chr7:92,014,297, C>G. VCF-style: chr7-92014297-C-G. GRCh37 (hg19) VCF-style: chr7-91643611-C-G.
Other names: c.3581C>G, p.Ala1194Gly (NM_147185.3); short protein forms A1194G.
Identifiers: ClinVar variation 2772436 (VCV002772436.3), dbSNP rs1266093869, ClinGen allele CA368126531.